The following is an entry in ClinVar:

ClinVar aggregate classification (germline): Uncertain significance. Review status: criteria provided, multiple submitters, no conflicts (2 of 4 stars). 2 submissions from 2 submitters: Uncertain significance (2). Last evaluated 2025-11-06.

Allele frequency attached by ClinVar (database versions not stated): ExAC 0.00005; gnomAD 0.00005; gnomAD exomes 0.00006; TOPMed 0.00008; 1000 Genomes Project 0.00020; ESP Exome Variant Server 0.00020; 1000 Genomes Project 30x 0.00047.
gnomAD v4.1: 87 of 1,573,482 alleles (0.0055%); highest among the groups gnomAD compares: Admixed American, 0.0089%; no homozygotes.

Submissions (2):

Ambry Genetics
Classification: Uncertain significance. Last evaluated: 2025-11-06. Review status: criteria provided, single submitter. Criteria: Ambry Variant Classification Scheme 2023. Collection method: clinical testing. Allele origin: germline.

Labcorp Genetics (formerly Invitae), Labcorp
Classification: Uncertain significance. Last evaluated: 2025-09-21. Review status: criteria provided, single submitter. Criteria: Invitae Variant Classification Sherloc (09022015). Collection method: clinical testing. Allele origin: germline.
Comment: This sequence change replaces glycine, which is neutral and non-polar, with serine, which is neutral and polar, at codon 1606 of the SIPA1L3 protein (p.Gly1606Ser). The frequency data for this variant in the population databases is considered unreliable, as metrics indicate poor data quality at this position in the gnomAD database. This variant has not been reported in the literature in individuals affected with SIPA1L3-related conditions. ClinVar contains an entry for this variant (Variation ID: 2332456). An algorithm developed to predict the effect of missense changes on protein structure and function outputs the following: PolyPhen-2: "Benign". The serine amino acid residue is found in multiple mammalian species, which suggests that this missense change does not adversely affect protein function. In summary, the available evidence is currently insufficient to determine the role of this variant in disease. Therefore, it has been classified as a Variant of Uncertain Significance.

NM_015073.3(SIPA1L3):c.4816G>A (p.Gly1606Ser)

Gene: SIPA1L3 (signal induced proliferation associated 1 like 3; plus strand). Cytogenetic location: 19q13.13.
Variant type: single nucleotide variant.
Coding change: c.4816G>A on transcript NM_015073.3 (MANE Select); coding-DNA position 4816, G replaced by A.
Protein change: p.Gly1606Ser; replaces glycine 1606 with serine.
Molecular consequence: missense variant.
Genome position (GRCh38, 1-based): chr19:38,193,756, G>A. VCF-style: chr19-38193756-G-A. GRCh37 (hg19) VCF-style: chr19-38684396-G-A.
Other names: short protein forms G1606S.
Identifiers: ClinVar variation 2332456 (VCV002332456.4), dbSNP rs374663846, ClinGen allele CA9410491.